The following is an entry in ClinVar:

NM_001128148.3(TFRC):c.1979T>C (p.Phe660Ser)

Gene: TFRC (transferrin receptor; minus strand). Cytogenetic location: 3q29.
Variant type: single nucleotide variant.
Coding change: c.1979T>C on transcript NM_001128148.3 (MANE Select); coding-DNA position 1979, T replaced by C.
Protein change: p.Phe660Ser; replaces phenylalanine 660 with serine.
Molecular consequence: missense variant.
Genome position (GRCh38, 1-based): chr3:196,053,479, A>G on the plus strand (T>C on the coding strand, the complement: TFRC is on the minus strand). VCF-style: chr3-196053479-A-G. GRCh37 (hg19) VCF-style: chr3-195780350-A-G.
Other names: c.1736T>C, p.Phe579Ser (NM_001313965.2); c.1133T>C, p.Phe378Ser (NM_001313966.2); c.1979T>C, p.Phe660Ser (NM_003234.4); short protein forms F378S, F579S, F660S.
Identifiers: ClinVar variation 3685045 (VCV003685045.2).

ClinVar aggregate classification (germline): Uncertain significance (1 of 4 stars; one submission).

Submission:

Labcorp Genetics (formerly Invitae), Labcorp
Classification: Uncertain significance. Last evaluated: 2024-05-02. Review status: criteria provided, single submitter. Criteria: Invitae Variant Classification Sherloc (09022015). Collection method: clinical testing. Allele origin: germline.
Comment: This sequence change replaces phenylalanine, which is neutral and non-polar, with serine, which is neutral and polar, at codon 660 of the TFRC protein (p.Phe660Ser). This variant is not present in population databases (gnomAD no frequency). This variant has not been reported in the literature in individuals affected with TFRC-related conditions. Advanced modeling of protein sequence and biophysical properties (such as structural, functional, and spatial information, amino acid conservation, physicochemical variation, residue mobility, and thermodynamic stability) performed at Invitae indicates that this missense variant is not expected to disrupt TFRC protein function with a negative predictive value of 80%. In summary, the available evidence is currently insufficient to determine the role of this variant in disease. Therefore, it has been classified as a Variant of Uncertain Significance.